The following is an entry in ClinVar:

NM_004304.5(ALK):c.5G>A (p.Gly2Glu)

Gene: ALK (ALK receptor tyrosine kinase; minus strand). Cytogenetic location: 2p23.1.
Variant type: single nucleotide variant.
Coding change: c.5G>A on transcript NM_004304.5 (MANE Select); coding-DNA position 5, G replaced by A.
Protein change: p.Gly2Glu; replaces glycine 2 with glutamic acid.
Molecular consequence: missense variant.
Genome position (GRCh38, 1-based): chr2:29,920,655, C>T on the plus strand (G>A on the coding strand, the complement: ALK is on the minus strand). VCF-style: chr2-29920655-C-T. GRCh37 (hg19) VCF-style: chr2-30143521-C-T.
Other names: short protein forms G2E.
Identifiers: ClinVar variation 4673017 (VCV004673017.1).
Genomic context (GRCh38, chr2:29,920,655, plus strand): 5'-CCGGAGCCCACAGCTGCCGTGGAAAGCAGCAGCGGCAGGAGCCACAGGAGCCCGATGGCT[C>T]CCATCCCGCCGGAGGAGGCCGTTTACACTGCTCTCCGGGCCCAGCCTCACCCTTCGCTCT-3'
Protein context (NP_004295.2, residues 1-12): M[Gly2Glu]AIGLLWLLPL

ClinVar aggregate classification (germline): Uncertain significance (1 of 4 stars; one submission).

Conditions:
Hereditary cancer-predisposing syndrome. Also called: Neoplastic Syndromes, Hereditary; Tumor predisposition; Hereditary Cancer Syndrome; Hereditary neoplastic syndrome. Identifiers: Orphanet 140162, MedGen C0027672, MeSH D009386, MONDO:0015356.

gnomAD v4.1: 1 of 1,536,128 alleles (0.000065%); highest among the groups gnomAD compares: Non-Finnish European, 0.000087%; no homozygotes.

Submission:

Ambry Genetics
Classification: Uncertain significance for Hereditary cancer-predisposing syndrome. Last evaluated: 2025-10-17. Review status: criteria provided, single submitter. Criteria: Ambry Variant Classification Scheme 2023. Collection method: clinical testing. Allele origin: germline.
Comment: The p.G2E variant (also known as c.5G>A), located in coding exon 1 of the ALK gene, results from a G to A substitution at nucleotide position 5. The glycine at codon 2 is replaced by glutamic acid, an amino acid with similar properties. This amino acid position is not well conserved in available vertebrate species. In addition, this alteration is predicted to be tolerated by in silico analysis. Based on the available evidence, the clinical significance of this variant remains unclear.